The following is an entry in ClinVar:

ClinVar aggregate classification (germline): Uncertain significance (1 of 4 stars; one submission).

Conditions:
Atrial fibrillation, familial, 14 (ATFB14). Identifiers: MedGen C3809312, MONDO:0014156, OMIM 615378.

Submission:

Labcorp Genetics (formerly Invitae), Labcorp
Classification: Uncertain significance for Atrial fibrillation, familial, 14. Last evaluated: 2021-05-30. Review status: criteria provided, single submitter. Criteria: Invitae Variant Classification Sherloc (09022015). Collection method: clinical testing. Allele origin: germline.
Comment: This variant is a gross deletion of the genomic region encompassing exon(s) 1 of the SCN2B gene, which includes the initiator codon. The 5' end of this event is unknown as it extends beyond the assayed region for this gene and therefore may encompass additional genes. The 3' boundary is likely confined to intron 1 of the SCN2B gene. It is expected to result in an absent or disrupted protein product. However, the current clinical and genetic evidence is not sufficient to establish whether loss-of-function variants in SCN2B cause disease. In summary, the available evidence is currently insufficient to determine the role of this variant in disease. Therefore, it has been classified as a Variant of Uncertain Significance. This variant has not been reported in the literature in individuals with SCN2B-related conditions.

NC_000011.9:g.(?_118047057)_(118047146_?)del

Gene: SCN2B (sodium voltage-gated channel beta subunit 2; minus strand). Cytogenetic location: 11q23.3.
Variant type: Deletion.
Identifiers: ClinVar variation 1411255 (VCV001411255.4).